The following is an entry in ClinVar:

NM_004655.4(AXIN2):c.2073C>T (p.Pro691=)

Gene: AXIN2 (axin 2; minus strand). Cytogenetic location: 17q24.1.
Variant type: single nucleotide variant.
Coding change: c.2073C>T on transcript NM_004655.4 (MANE Select); coding-DNA position 2073, C replaced by T.
Protein change: p.Pro691=; no amino-acid change (proline 691 retained).
Molecular consequence: synonymous variant.
Genome position (GRCh38, 1-based): chr17:65,536,388, G>A on the plus strand (C>T on the coding strand, the complement: AXIN2 is on the minus strand). VCF-style: chr17-65536388-G-A. GRCh37 (hg19) VCF-style: chr17-63532506-G-A.
Other names: c.2073C>T (NM_004655.3); c.1878C>T, p.Pro626= (NM_001363813.1).
Identifiers: ClinVar variation 1595427 (VCV001595427.17), dbSNP rs781738256, ClinGen allele CA501690914.

ClinVar aggregate classification (germline): Benign/Likely benign. Review status: criteria provided, multiple submitters, no conflicts (2 of 4 stars). 4 submissions from 4 submitters: Benign (1); Likely benign (3). Last evaluated 2025-10-01.

Conditions:
Hereditary cancer-predisposing syndrome. Also called: Neoplastic Syndromes, Hereditary; Hereditary neoplastic syndrome; Tumor predisposition; Hereditary Cancer Syndrome. Identifiers: Orphanet 140162, MedGen C0027672, MeSH D009386, MONDO:0015356.
Oligodontia-cancer predisposition syndrome. Also called: TOOTH AGENESIS-COLORECTAL CANCER SYNDROME. Identifiers: Orphanet 300576, MedGen C1837750, MONDO:0012075, OMIM 608615. Disease mechanism: loss of function.

Submissions (4):

CeGaT Center for Human Genetics Tuebingen
Classification: Likely benign. Last evaluated: 2025-10-01. Review status: criteria provided, single submitter. Criteria: CeGaT Center For Human Genetics Tuebingen Variant Classification Criteria Version 2. Collection method: clinical testing. Allele origin: germline. Affected: yes. Observed: 1 variant allele.
Comment: AXIN2: PM2:Supporting, BP4, BP7

Labcorp Genetics (formerly Invitae), Labcorp
Classification: Likely benign for Oligodontia-cancer predisposition syndrome. Last evaluated: 2025-06-18. Review status: criteria provided, single submitter. Criteria: Invitae Variant Classification Sherloc (09022015). Collection method: clinical testing. Allele origin: germline.

Myriad Genetics, Inc.
Classification: Benign for Oligodontia-cancer predisposition syndrome. Last evaluated: 2024-07-09. Review status: criteria provided, single submitter. Criteria: Myriad Autosomal Dominant, Autosomal Recessive and X-Linked Classification Criteria (2023). Collection method: clinical testing. Allele origin: unknown.
Comment: This variant is considered benign. This variant is a silent/synonymous amino acid change and it is not expected to impact splicing.

Ambry Genetics
Classification: Likely benign for Hereditary cancer-predisposing syndrome. Last evaluated: 2023-04-18. Review status: criteria provided, single submitter. Criteria: Ambry Variant Classification Scheme 2023. Collection method: clinical testing. Allele origin: germline.